The following is an entry in ClinVar:

NM_024616.3(C3orf52):c.649G>A (p.Glu217Lys)

Gene: C3orf52 (chromosome 3 open reading frame 52; plus strand). Cytogenetic location: 3q13.2.
Variant type: single nucleotide variant.
Coding change: c.649G>A on transcript NM_024616.3 (MANE Select); coding-DNA position 649, G replaced by A.
Protein change: p.Glu217Lys; replaces glutamic acid 217 with lysine.
Molecular consequence: missense variant. On other transcripts: intron variant (1).
Genome position (GRCh38, 1-based): chr3:112,113,145, G>A. VCF-style: chr3-112113145-G-A. GRCh37 (hg19) VCF-style: chr3-111831992-G-A.
Other names: NC_000003.11:g.111831992G>A; c.397-3497G>A (NM_001171747.2); short protein forms E217K.
Identifiers: ClinVar variation 2654031 (VCV002654031.25), dbSNP rs61745515, ClinGen allele CA2537546.

ClinVar aggregate classification (germline): Uncertain significance (1 of 4 stars; one submission).

Allele frequency attached by ClinVar (database versions not stated): 1000 Genomes Project 0.00040; 1000 Genomes Project 30x 0.00047; gnomAD 0.00058; ESP Exome Variant Server 0.00082; TOPMed 0.00088; gnomAD exomes 0.00095.

Submissions (7):

CeGaT Center for Human Genetics Tuebingen
Classification: Uncertain significance. Last evaluated: 2022-05-01. Review status: criteria provided, single submitter. Criteria: CeGaT Center For Human Genetics Tuebingen Variant Classification Criteria Version 2. Collection method: clinical testing. Allele origin: germline. Affected: yes. Observed: 1 variant allele.
Comment: C3orf52: PM2, BP4

Dr. Peter K. Rogan Lab, Western University
No classification provided (evidence only). Condition: Colon adenocarcinoma. Review status: no classification provided. Collection method: in vitro. Allele origin: not applicable. Functional consequence: skipped exon. Not counted in ClinVar's aggregate classification.

Dr. Peter K. Rogan Lab, Western University
No classification provided (evidence only). Condition: Colorectal cancer. Review status: no classification provided. Collection method: in vitro. Allele origin: not applicable. Functional consequence: skipped exon. Not counted in ClinVar's aggregate classification.

Dr. Peter K. Rogan Lab, Western University
No classification provided (evidence only). Condition: Cervical cancer. Review status: no classification provided. Collection method: in vitro. Allele origin: not applicable. Functional consequence: skipped exon. Not counted in ClinVar's aggregate classification.

Dr. Peter K. Rogan Lab, Western University
No classification provided (evidence only). Condition: Malignant tumor of esophagus. Review status: no classification provided. Collection method: in vitro. Allele origin: not applicable. Functional consequence: skipped exon. Not counted in ClinVar's aggregate classification.

Dr. Peter K. Rogan Lab, Western University
No classification provided (evidence only). Condition: Nonpapillary renal cell carcinoma. Review status: no classification provided. Collection method: in vitro. Allele origin: not applicable. Functional consequence: skipped exon. Not counted in ClinVar's aggregate classification.

Dr. Peter K. Rogan Lab, Western University
No classification provided (evidence only). Condition: Lymphoma. Review status: no classification provided. Collection method: in vitro. Allele origin: not applicable. Functional consequence: skipped exon, retained intron. Not counted in ClinVar's aggregate classification.